The following is an entry in ClinVar:

NM_001844.5(COL2A1):c.941C>T (p.Pro314Leu)

Gene: COL2A1 (collagen type II alpha 1 chain; minus strand). Cytogenetic location: 12q13.11.
Variant type: single nucleotide variant.
Coding change: c.941C>T on transcript NM_001844.5 (MANE Select); coding-DNA position 941, C replaced by T.
Protein change: p.Pro314Leu; replaces proline 314 with leucine.
Molecular consequence: missense variant.
Genome position (GRCh38, 1-based): chr12:47,993,486, G>A on the plus strand (C>T on the coding strand, the complement: COL2A1 is on the minus strand). VCF-style: chr12-47993486-G-A. GRCh37 (hg19) VCF-style: chr12-48387269-G-A.
Other names: c.734C>T, p.Pro245Leu (NM_033150.3); short protein forms P245L, P314L.
Identifiers: ClinVar variation 837734 (VCV000837734.20), dbSNP rs778135776, ClinGen allele CA6535699.

ClinVar aggregate classification (germline): Conflicting classifications of pathogenicity. Review status: criteria provided, conflicting classifications (1 of 4 stars). 7 submissions from 7 submitters: Uncertain significance (6); Likely benign (1). Last evaluated 2026-01-07.

Conditions:
COL2A1-related disorder. Also called: COL2A1-related condition; COL2A1-related disorders.
Inborn genetic diseases. Identifiers: MedGen C0950123, MeSH D030342.

Allele frequency attached by ClinVar (database versions not stated): ExAC 0.00003; gnomAD 0.00003 and 0.00004; gnomAD exomes 0.00004; TOPMed 0.00005.
gnomAD v4.1: 68 of 1,613,556 alleles (0.0042%); highest among the groups gnomAD compares: Non-Finnish European, 0.0055%; no homozygotes.

Submissions (7):

Labcorp Genetics (formerly Invitae), Labcorp
Classification: Likely benign. Last evaluated: 2026-01-07. Review status: criteria provided, single submitter. Criteria: Invitae Variant Classification Sherloc (09022015). Collection method: clinical testing. Allele origin: germline.

Ambry Genetics
Classification: Uncertain significance for Inborn genetic diseases. Last evaluated: 2025-11-07. Review status: criteria provided, single submitter. Criteria: Ambry Variant Classification Scheme 2023. Collection method: clinical testing. Allele origin: germline.

PreventionGenetics, part of Exact Sciences
Classification: Uncertain significance for COL2A1-related condition. Last evaluated: 2025-03-08. Review status: criteria provided, single submitter. Criteria: ACMG Guidelines, 2015. Collection method: clinical testing. Allele origin: germline.
Comment: The COL2A1 c.941C>T variant is predicted to result in the amino acid substitution p.Pro314Leu. To our knowledge, this variant has not been reported in the literature. This variant is reported in 0.0079% of alleles in individuals of European (Non-Finnish) descent in gnomAD. Although we suspect that this variant may be benign, at this time, the clinical significance of this variant is uncertain due to the absence of conclusive functional and genetic evidence.

Blueprint Genetics
Classification: Uncertain significance. Last evaluated: 2023-11-06. Review status: criteria provided, single submitter. Criteria: ACMG Guidelines, 2015. Collection method: clinical testing. Allele origin: germline.

Revvity Omics, Revvity
Classification: Uncertain significance. Last evaluated: 2022-10-13. Review status: criteria provided, single submitter. Criteria: ACMG Guidelines, 2015. Collection method: clinical testing. Allele origin: germline.

GeneDx
Classification: Uncertain significance. Last evaluated: 2022-01-07. Review status: criteria provided, single submitter. Criteria: GeneDx Variant Classification Process June 2021. Collection method: clinical testing. Allele origin: germline. Affected: yes.
Comment: Has not been previously published as pathogenic or benign to our knowledge; In silico analysis supports that this missense variant has a deleterious effect on protein structure/function; Occurs in the triple helical domain at the Y position in the canonical Gly-X-Y repeat; although this variant may have an effect on normal protein folding and function, missense substitution at the Y position is not a common mechanism of disease (HGMD); Reported in ClinVar as a variant of uncertain significance (ClinVar Variant ID#837734)

Molecular Diagnostic Laboratory for Inherited Cardiovascular Disease, Montreal Heart Institute
Classification: Uncertain significance. Last evaluated: 2020-03-10. Review status: criteria provided, single submitter. Criteria: ACMG Guidelines, 2015. Collection method: clinical testing. Allele origin: germline. Affected: yes.